The following is an entry in ClinVar:

ClinVar aggregate classification (germline): Pathogenic (1 of 4 stars; one submission).

Conditions:
Walker-Warburg congenital muscular dystrophy. Also called: Muscular dystrophy-dystroglycanopathy, type A; Walker-Warburg syndrome. Identifiers: Orphanet 899, MedGen C0265221, MONDO:0000171.

Submission:

Labcorp Genetics (formerly Invitae), Labcorp
Classification: Pathogenic for Walker-Warburg congenital muscular dystrophy. Last evaluated: 2024-07-11. Review status: criteria provided, single submitter. Criteria: Invitae Variant Classification Sherloc (09022015). Collection method: clinical testing. Allele origin: germline.
Comment: This sequence change creates a premature translational stop signal (p.Lys343Asnfs*7) in the FKTN gene. It is expected to result in an absent or disrupted protein product. Loss-of-function variants in FKTN are known to be pathogenic (PMID: 17044012, 17878207, 18752264). This variant is not present in population databases (gnomAD no frequency). This variant has not been reported in the literature in individuals affected with FKTN-related conditions. For these reasons, this variant has been classified as Pathogenic.

Literature cited by the submitters: PubMed 17044012; PubMed 17878207; PubMed 18752264.

NM_001079802.2(FKTN):c.1029del (p.Lys343fs)

Gene: FKTN (fukutin; plus strand). Cytogenetic location: 9q31.2.
Variant type: Deletion.
Coding change: c.1029del on transcript NM_001079802.2 (MANE Select); coding-DNA position 1029, one base deleted (A; older notation c.1029delA).
Protein change: p.Lys343fs; shifts the reading frame from lysine 343.
Molecular consequence: frameshift variant. On other transcripts: non-coding transcript variant (1).
Genome position (GRCh38, 1-based): chr9:105,618,077, A deleted; the last of 3 consecutive A bases (chr9:105,618,075-105,618,077); deleting any one gives the same sequence. VCF-style (leftmost placement, unchanged base first): chr9-105618074-CA-C. GRCh37 (hg19) VCF-style: chr9-108380355-CA-C.
Other names: c.1029del, p.Lys343fs (NM_001198963.2, NM_001351496.2, NM_001351498.2 and 1 more transcripts); c.960del, p.Lys320fs (NM_001351497.2); c.633del, p.Lys211fs (NM_001351499.2, NM_001351500.2, NM_001351501.2 and 1 more transcripts); short protein forms K211fs, K320fs, K343fs.
Identifiers: ClinVar variation 3659313 (VCV003659313.2).